The following is an entry in ClinVar:

NR_003051.4(RMRP):n.158G>C

Gene: RMRP (RNA component of mitochondrial RNA processing endoribonuclease; minus strand). Cytogenetic location: 9p13.3.
Variant type: single nucleotide variant.
Genome position: GRCh38 VCF-style: chr9-35657862-C-G. GRCh37 (hg19) VCF-style: chr9-35657859-C-G.
Identifiers: ClinVar variation 138923 (VCV000138923.18), dbSNP rs7021463, ClinGen allele CA293097.
Genomic context (GRCh38, chr9:35,657,862, plus strand): 5'-CCTGCGTAACTAGAGGGAGCTGACGGATGACGCCCCCGCGCCACGCCGCTCAGCGGGATA[C>G]GCTTCTTGGCGGACTTTGGAGTGGGAAGCGGGGAATGTCTACGTGCGTATGCACGTGGCA-3'

ClinVar aggregate classification (germline): Benign. Review status: reviewed by expert panel (3 of 4 stars). 9 submissions from 9 submitters: Benign (1). 8 of the submissions do not count toward it. Last evaluated 2025-10-01.

Conditions:
Anauxetic dysplasia. Identifiers: Orphanet 93347, MedGen C1846796, MONDO:0011773.
Metaphyseal chondrodysplasia, McKusick type (CHH). Also called: Cartilage-hair hypoplasia; Cartilage-Hair Hypoplasia (CHH). Identifiers: Orphanet 175, MedGen C0220748, MONDO:0009595, OMIM 250250.

Allele frequency attached by ClinVar (database versions not stated): TOPMed 0.18141; ExAC 0.09881; 1000 Genomes Project 0.15156; 1000 Genomes Project 30x 0.15756; gnomAD 0.17549.
gnomAD v4.1: 93,702 of 700,316 alleles (13%); highest among the groups gnomAD compares: African/African-American, 31%; 7,723 homozygotes.

Submissions (9):

ClinGen Severe Combined Immunodeficiency Variant Curation Expert Panel, ClinGen
Classification: Benign for Metaphyseal chondrodysplasia, McKusick type. Last evaluated: 2025-10-01. Review status: reviewed by expert panel. Criteria: ClinGen SCID ACMG Specifications RMRP V1.2.0. Collection method: curation. Allele origin: germline. Inheritance: Autosomal recessive inheritance.
Comment: The variant NC_000009.12:g.35657862C>G, also known as n.157G>C and n.158G>C, is present in gnomAD v4.1.0 at a Grpmax filtering allele frequency of 0.3030, which is higher than the ClinGen SCID VCEP specified BA1 threshold of >0.004. Therefore, BA1 is met. In summary, this variant meets the criteria to be classified as Benign for autosomal recessive cartilage-hair hypoplasia based on the ACMG/AMP criteria applied, as specified by the ClinGen SCID VCEP: BA1 (VCEP specifications version 1).

Labcorp Genetics (formerly Invitae), Labcorp
Classification: Benign for Anauxetic dysplasia. Last evaluated: 2026-02-04. Review status: criteria provided, single submitter. Criteria: Invitae Variant Classification Sherloc (09022015). Collection method: clinical testing. Allele origin: germline. Not counted in ClinVar's aggregate classification.

ARUP Laboratories, Molecular Genetics and Genomics, ARUP Laboratories
Classification: Benign. Last evaluated: 2025-07-03. Review status: criteria provided, single submitter. Criteria: ARUP Molecular Germline Variant Investigation Process 2024. Collection method: clinical testing. Allele origin: germline. Not counted in ClinVar's aggregate classification.

Blueprint Genetics
Classification: Likely benign. Last evaluated: 2024-11-27. Review status: criteria provided, single submitter. Criteria: ACMG Guidelines, 2015. Collection method: clinical testing. Allele origin: germline. Not counted in ClinVar's aggregate classification.

GeneDx
Classification: Benign. Last evaluated: 2013-02-14. Review status: criteria provided, single submitter. Criteria: GeneDx Variant Classification (06012015). Collection method: clinical testing. Allele origin: germline. Affected: yes. Not counted in ClinVar's aggregate classification.
Comment: This variant is considered likely benign or benign based on one or more of the following criteria: it is a conservative change, it occurs at a poorly conserved position in the protein, it is predicted to be benign by multiple in silico algorithms, and/or has population frequency not consistent with disease.

Breakthrough Genomics
Classification: Benign. Review status: criteria provided, single submitter. Criteria: ACMG Guidelines, 2015. Collection method: not provided. Allele origin: germline. Inheritance: Autosomal recessive inheritance. Affected: yes. Not counted in ClinVar's aggregate classification.

Natera, Inc.
Classification: Benign for Cartilage-hair hypoplasia. Last evaluated: 2020-09-16. Review status: no assertion criteria provided. Collection method: clinical testing. Allele origin: germline. Not counted in ClinVar's aggregate classification.

Genome Diagnostics Laboratory, University Medical Center Utrecht
Classification: Likely benign. Review status: no assertion criteria provided. Collection method: clinical testing. Allele origin: germline. Affected: yes. Study: VKGL Data-share Consensus. Not counted in ClinVar's aggregate classification.

Joint Genome Diagnostic Labs from Nijmegen and Maastricht, Radboudumc and MUMC+
Classification: Benign. Review status: no assertion criteria provided. Collection method: clinical testing. Allele origin: germline. Affected: yes. Study: VKGL Data-share Consensus. Not counted in ClinVar's aggregate classification.